The following is an entry in ClinVar:

ClinVar aggregate classification (germline): Uncertain significance (0 of 4 stars; one submission).

Conditions:
DSCAM-related disorder. Also called: DSCAM-related condition.

Allele frequency attached by ClinVar (database versions not stated): ExAC 0.00001; gnomAD 0.00001; gnomAD exomes 0.00001; TOPMed 0.00001.
gnomAD v4.1: 14 of 1,614,088 alleles (0.00087%); highest among the groups gnomAD compares: African/African-American, 0.0013%; no homozygotes.

Submission:

PreventionGenetics, part of Exact Sciences
Classification: Uncertain significance for DSCAM-related condition. Last evaluated: 2024-07-16. Review status: no assertion criteria provided. Collection method: clinical testing. Allele origin: germline.
Comment: The DSCAM c.1577G>A variant is predicted to result in the amino acid substitution p.Arg526His. To our knowledge, this variant has not been reported in the literature. This variant is reported in 0.0065% of alleles in individuals of African descent in gnomAD. At this time, the clinical significance of this variant is uncertain due to the absence of conclusive functional and genetic evidence.

NM_001389.5(DSCAM):c.1577G>A (p.Arg526His)

Genes: DSCAM (DS cell adhesion molecule; minus strand), LOC126653376 (BRD4-independent group 4 enhancer GRCh37_chr21:41709903-41711102; plus strand). Cytogenetic location: 21q22.2.
Variant type: single nucleotide variant.
Coding change: c.1577G>A on transcript NM_001389.5 (MANE Select); coding-DNA position 1577, G replaced by A.
Protein change: p.Arg526His; replaces arginine 526 with histidine.
Molecular consequence: missense variant. On other transcripts: non-coding transcript variant (1).
Genome position (GRCh38, 1-based): chr21:40,338,307, C>T on the plus strand (G>A on the coding strand, the complement: DSCAM is on the minus strand). VCF-style: chr21-40338307-C-T. GRCh37 (hg19) VCF-style: chr21-41710234-C-T.
Other names: c.1577G>A, p.Arg526His (NM_001271534.3, NM_206887.1); short protein forms R526H.
Identifiers: ClinVar variation 2629223 (VCV002629223.2), dbSNP rs752824503, ClinGen allele CA10031462.